The following is an entry in ClinVar:

NM_005188.4(CBL):c.289A>G (p.Thr97Ala)

Gene: CBL (Cbl proto-oncogene; plus strand). Cytogenetic location: 11q23.3.
Variant type: single nucleotide variant.
Coding change: c.289A>G on transcript NM_005188.4 (MANE Select); coding-DNA position 289, A replaced by G.
Protein change: p.Thr97Ala; replaces threonine 97 with alanine.
Molecular consequence: missense variant.
Genome position (GRCh38, 1-based): chr11:119,232,541, A>G. VCF-style: chr11-119232541-A-G. GRCh37 (hg19) VCF-style: chr11-119103251-A-G.
Other names: short protein forms T97A.
Identifiers: ClinVar variation 5033722 (VCV005033722.1).
Genomic context (GRCh38, chr11:119,232,541, plus strand): 5'-CTAAAGAATAGCCCACCTTATATCTTAGACCTGCTACCAGATACCTACCAGCATCTCCGT[A>G]CTATCTTGTCAAGATATGAGGGGAAGATGGAGACACTTGGAGAAAATGAGTATTTTAGGG-3'
Protein context (NP_005179.2, residues 87-107): LLPDTYQHLR[Thr97Ala]ILSRYEGKME

ClinVar aggregate classification (germline): Uncertain significance (1 of 4 stars; one submission).

Conditions:
Cardiovascular phenotype. Identifiers: MedGen CN230736.

Submission:

Ambry Genetics
Classification: Uncertain significance for Cardiovascular phenotype. Last evaluated: 2026-06-22. Review status: criteria provided, single submitter. Criteria: Ambry Variant Classification Scheme 2023. Collection method: clinical testing. Allele origin: germline.
Comment: The p.T97A variant (also known as c.289A>G), located in coding exon 2 of the CBL gene, results from an A to G substitution at nucleotide position 289. The threonine at codon 97 is replaced by alanine, an amino acid with similar properties. This amino acid position is conserved. In addition, the in silico prediction for this alteration is inconclusive. Based on the available evidence, the clinical significance of this variant remains unclear.